The following is an entry in ClinVar:

ClinVar aggregate classification (germline): Uncertain significance (1 of 4 stars; one submission).

gnomAD v4.1: 1 of 1,613,704 alleles (0.000062%); highest among the groups gnomAD compares: Non-Finnish European, 0.000085%; no homozygotes.

Submission:

Labcorp Genetics (formerly Invitae), Labcorp
Classification: Uncertain significance. Last evaluated: 2024-03-17. Review status: criteria provided, single submitter. Criteria: Invitae Variant Classification Sherloc (09022015). Collection method: clinical testing. Allele origin: germline.
Comment: This sequence change replaces arginine, which is basic and polar, with glycine, which is neutral and non-polar, at codon 338 of the P4HB protein (p.Arg338Gly). This variant is not present in population databases (gnomAD no frequency). This variant has not been reported in the literature in individuals affected with P4HB-related conditions. Advanced modeling of protein sequence and biophysical properties (such as structural, functional, and spatial information, amino acid conservation, physicochemical variation, residue mobility, and thermodynamic stability) performed at Invitae indicates that this missense variant is not expected to disrupt P4HB protein function with a negative predictive value of 80%. In summary, the available evidence is currently insufficient to determine the role of this variant in disease. Therefore, it has been classified as a Variant of Uncertain Significance.

NM_000918.4(P4HB):c.1012A>G (p.Arg338Gly)

Gene: P4HB (prolyl 4-hydroxylase subunit beta; minus strand). Cytogenetic location: 17q25.3.
Variant type: single nucleotide variant.
Coding change: c.1012A>G on transcript NM_000918.4 (MANE Select); coding-DNA position 1012, A replaced by G.
Protein change: p.Arg338Gly; replaces arginine 338 with glycine.
Molecular consequence: missense variant.
Genome position (GRCh38, 1-based): chr17:81,846,473, T>C on the plus strand (A>G on the coding strand, the complement: P4HB is on the minus strand). VCF-style: chr17-81846473-T-C. GRCh37 (hg19) VCF-style: chr17-79804349-T-C.
Other names: short protein forms R338G.
Identifiers: ClinVar variation 3669243 (VCV003669243.2).